The following is an entry in ClinVar:

ClinVar aggregate classification (germline): Uncertain significance (1 of 4 stars; one submission).

Submission:

Labcorp Genetics (formerly Invitae), Labcorp
Classification: Uncertain significance. Last evaluated: 2022-10-19. Review status: criteria provided, single submitter. Criteria: Invitae Variant Classification Sherloc (09022015). Collection method: clinical testing. Allele origin: germline.
Comment: This sequence change replaces asparagine, which is neutral and polar, with lysine, which is basic and polar, at codon 581 of the CTNNA1 protein (p.Asn581Lys). This variant is not present in population databases (gnomAD no frequency). This variant has not been reported in the literature in individuals affected with CTNNA1-related conditions. Advanced modeling of protein sequence and biophysical properties (such as structural, functional, and spatial information, amino acid conservation, physicochemical variation, residue mobility, and thermodynamic stability) performed at Invitae indicates that this missense variant is not expected to disrupt CTNNA1 protein function. In summary, the available evidence is currently insufficient to determine the role of this variant in disease. Therefore, it has been classified as a Variant of Uncertain Significance.

NM_001903.5(CTNNA1):c.1743C>A (p.Asn581Lys)

Gene: CTNNA1 (catenin alpha 1; plus strand). Cytogenetic location: 5q31.2.
Variant type: single nucleotide variant.
Coding change: c.1743C>A on transcript NM_001903.5 (MANE Select); coding-DNA position 1743, C replaced by A.
Protein change: p.Asn581Lys; replaces asparagine 581 with lysine.
Molecular consequence: missense variant.
Genome position (GRCh38, 1-based): chr5:138,924,706, C>A. VCF-style: chr5-138924706-C-A. GRCh37 (hg19) VCF-style: chr5-138260395-C-A.
Other names: c.633C>A, p.Asn211Lys (NM_001323989.1, NM_001323990.1, NM_001323991.1 and 17 more transcripts); c.294C>A, p.Asn98Lys (NM_001324008.1, NM_001324009.1, NM_001324010.1 and 2 more transcripts); c.540C>A, p.Asn180Lys (NM_001324011.1); c.390C>A, p.Asn130Lys (NM_001324012.1, NM_001324013.1); c.1743C>A, p.Asn581Lys (NM_001290307.3, NM_001323982.2, NM_001323983.1 and 2 more transcripts); c.1434C>A, p.Asn478Lys (NM_001290309.3); c.1374C>A, p.Asn458Lys (NM_001290310.3); c.1650C>A, p.Asn550Lys (NM_001323986.2); short protein forms N550K, N581K, N98K, N130K, N180K, N211K, N458K, N478K.
Identifiers: ClinVar variation 1721851 (VCV001721851.5), dbSNP rs1438561310, ClinGen allele CA361132096.